The following is an entry in ClinVar:

NM_006031.6(PCNT):c.6538del (p.Gln2180fs)

Gene: PCNT (pericentrin; plus strand). Cytogenetic location: 21q22.3.
Variant type: Deletion.
Coding change: c.6538del on transcript NM_006031.6 (MANE Select); coding-DNA position 6538, one base deleted (C; older notation c.6538delC).
Protein change: p.Gln2180fs; shifts the reading frame from glutamine 2180.
Molecular consequence: frameshift variant.
Genome position (GRCh38, 1-based): chr21:46,416,456, C deleted. VCF-style (leftmost placement, unchanged base first): chr21-46416455-TC-T. GRCh37 (hg19) VCF-style: chr21-47836369-TC-T.
Other names: c.6184del, p.Gln2062fs (NM_001315529.2); short protein forms Q2062fs, Q2180fs.
Identifiers: ClinVar variation 2754244 (VCV002754244.3), dbSNP rs2518829616, ClinGen allele CA2697547605.

ClinVar aggregate classification (germline): Pathogenic (1 of 4 stars; one submission).

Submission:

Labcorp Genetics (formerly Invitae), Labcorp
Classification: Pathogenic. Last evaluated: 2023-08-20. Review status: criteria provided, single submitter. Criteria: Invitae Variant Classification Sherloc (09022015). Collection method: clinical testing. Allele origin: germline.
Comment: For these reasons, this variant has been classified as Pathogenic. This variant has not been reported in the literature in individuals affected with PCNT-related conditions. This variant is not present in population databases (gnomAD no frequency). This sequence change creates a premature translational stop signal (p.Gln2180Lysfs*65) in the PCNT gene. It is expected to result in an absent or disrupted protein product. Loss-of-function variants in PCNT are known to be pathogenic (PMID: 18174396, 22821869).

Literature cited by the submitters: PubMed 18174396; PubMed 22821869.